The following is an entry in ClinVar:

ClinVar aggregate classification (germline): Uncertain significance. Review status: criteria provided, multiple submitters, no conflicts (2 of 4 stars). 2 submissions from 2 submitters: Uncertain significance (2). Last evaluated 2024-12-10.

Allele frequency attached by ClinVar (database versions not stated): TOPMed below 0.00001; gnomAD 0.00001; ExAC 0.00002.
gnomAD v4.1: 13 of 1,614,028 alleles (0.00081%); highest among the groups gnomAD compares: Non-Finnish European, 0.0011%; no homozygotes.

Submissions (2):

Labcorp Genetics (formerly Invitae), Labcorp
Classification: Uncertain significance. Last evaluated: 2024-12-10. Review status: criteria provided, single submitter. Criteria: Invitae Variant Classification Sherloc (09022015). Collection method: clinical testing. Allele origin: germline.
Comment: This sequence change disrupts the translational stop signal of the ABHD12 mRNA. It is expected to extend the length of the ABHD12 protein by 90 additional amino acid residues. This variant is present in population databases (rs771489942, gnomAD 0.0009%). This variant has not been reported in the literature in individuals affected with ABHD12-related conditions. ClinVar contains an entry for this variant (Variation ID: 963324). In summary, the available evidence is currently insufficient to determine the role of this variant in disease. Therefore, it has been classified as a Variant of Uncertain Significance.

Blueprint Genetics
Classification: Uncertain significance. Last evaluated: 2024-01-18. Review status: criteria provided, single submitter. Criteria: ACMG Guidelines, 2015. Collection method: clinical testing. Allele origin: germline.

NM_001042472.3(ABHD12):c.1195T>C (p.Ter399Arg)

Gene: ABHD12 (abhydrolase domain containing 12, lysophospholipase; minus strand). Cytogenetic location: 20p11.21.
Variant type: single nucleotide variant.
Coding change: c.1195T>C on transcript NM_001042472.3 (MANE Select); coding-DNA position 1195, T replaced by C.
Protein change: p.Ter399Arg.
Molecular consequence: stop lost. On other transcripts: intron variant (1).
Genome position (GRCh38, 1-based): chr20:25,300,847, A>G on the plus strand (T>C on the coding strand, the complement: ABHD12 is on the minus strand). VCF-style: chr20-25300847-A-G. GRCh37 (hg19) VCF-style: chr20-25281483-A-G.
Other names: c.1157+1372T>C (NM_015600.5).
Identifiers: ClinVar variation 963324 (VCV000963324.10), dbSNP rs771489942, ClinGen allele CA9795786.